The following is an entry in ClinVar:

NM_007348.4(ATF6):c.1007C>T (p.Ala336Val)

Gene: ATF6 (activating transcription factor 6; plus strand). Cytogenetic location: 1q23.3.
Variant type: single nucleotide variant.
Coding change: c.1007C>T on transcript NM_007348.4 (MANE Select); coding-DNA position 1007, C replaced by T.
Protein change: p.Ala336Val; replaces alanine 336 with valine.
Molecular consequence: missense variant.
Genome position (GRCh38, 1-based): chr1:161,819,730, C>T. VCF-style: chr1-161819730-C-T. GRCh37 (hg19) VCF-style: chr1-161789520-C-T.
Other names: c.1007C>T (NM_007348.3); c.1007C>T, p.Ala336Val (NM_001410890.1); short protein forms A336V.
Identifiers: ClinVar variation 2195919 (VCV002195919.3), dbSNP rs141227581, ClinGen allele CA1214337.

ClinVar aggregate classification (germline): Uncertain significance. Review status: criteria provided, multiple submitters, no conflicts (2 of 4 stars). 3 submissions from 3 submitters: Uncertain significance (3). Last evaluated 2025-12-09.

Conditions:
Inborn genetic diseases. Identifiers: MedGen C0950123, MeSH D030342.

Allele frequency attached by ClinVar (database versions not stated): gnomAD exomes 0.00001; ExAC 0.00002; gnomAD 0.00007; TOPMed 0.00008; 1000 Genomes Project 30x 0.00016; 1000 Genomes Project 0.00020.
gnomAD v4.1: 30 of 1,612,494 alleles (0.0019%); highest among the groups gnomAD compares: African/African-American, 0.008%; no homozygotes.

Submissions (3):

Ambry Genetics
Classification: Uncertain significance for Inborn genetic diseases. Last evaluated: 2025-12-09. Review status: criteria provided, single submitter. Criteria: Ambry Variant Classification Scheme 2023. Collection method: clinical testing. Allele origin: germline.

Blueprint Genetics
Classification: Uncertain significance. Last evaluated: 2023-10-30. Review status: criteria provided, single submitter. Criteria: ACMG Guidelines, 2015. Collection method: clinical testing. Allele origin: germline.

Labcorp Genetics (formerly Invitae), Labcorp
Classification: Uncertain significance. Last evaluated: 2022-07-30. Review status: criteria provided, single submitter. Criteria: Invitae Variant Classification Sherloc (09022015). Collection method: clinical testing. Allele origin: germline.
Comment: This sequence change replaces alanine, which is neutral and non-polar, with valine, which is neutral and non-polar, at codon 336 of the ATF6 protein (p.Ala336Val). This variant is present in population databases (rs141227581, gnomAD 0.008%). This variant has not been reported in the literature in individuals affected with ATF6-related conditions. Algorithms developed to predict the effect of missense changes on protein structure and function are either unavailable or do not agree on the potential impact of this missense change (SIFT: "Tolerated"; PolyPhen-2: "Probably Damaging"; Align-GVGD: "Class C0"). In summary, the available evidence is currently insufficient to determine the role of this variant in disease. Therefore, it has been classified as a Variant of Uncertain Significance.